The following is an entry in ClinVar:

ClinVar aggregate classification (germline): Conflicting classifications of pathogenicity. Review status: criteria provided, conflicting classifications (1 of 4 stars). 4 submissions from 4 submitters: Uncertain significance (1); Likely benign (2). 1 of the submissions does not count toward it. Last evaluated 2025-06-25.

Conditions:
PKHD1-related disorder. Also called: PKHD1-related condition.
Polycystic kidney disease 4 (PKD4). Also called: Autosomal Recessive Polycystic Kidney Disease – PKHD1; POLYCYSTIC KIDNEY DISEASE 4 WITH OR WITHOUT POLYCYSTIC LIVER DISEASE; POLYCYSTIC KIDNEY AND HEPATIC DISEASE 1; POLYCYSTIC KIDNEY DISEASE, INFANTILE, TYPE I; PKD3. Identifiers: MedGen C4540575, MONDO:0033004, OMIM 263200.
Autosomal recessive polycystic kidney disease (ARPKD). Also called: AR polycystic kidney disease. Identifiers: Orphanet 731, Orphanet 8378, MedGen C0085548, MeSH D017044, MONDO:0009889.

Allele frequency attached by ClinVar (database versions not stated): gnomAD 0.00001 and 0.00008; TOPMed 0.00002; gnomAD exomes 0.00010 and 0.00019; 1000 Genomes Project 30x 0.00016; 1000 Genomes Project 0.00020; ExAC 0.00021.
gnomAD v4.1: 163 of 1,613,894 alleles (0.01%); highest among the groups gnomAD compares: South Asian, 0.14%; 1 homozygote.

Submissions (4):

Labcorp Genetics (formerly Invitae), Labcorp
Classification: Likely benign for Autosomal recessive polycystic kidney disease. Last evaluated: 2025-06-25. Review status: criteria provided, single submitter. Criteria: Invitae Variant Classification Sherloc (09022015). Collection method: clinical testing. Allele origin: germline.

Genome-Nilou Lab
Classification: Likely benign for Polycystic kidney disease 4. Last evaluated: 2021-05-18. Review status: criteria provided, single submitter. Criteria: ACMG Guidelines, 2015. Collection method: clinical testing. Allele origin: germline. Affected: no.

Eurofins Ntd Llc (ga)
Classification: Uncertain significance. Last evaluated: 2018-01-04. Review status: criteria provided, single submitter. Criteria: EGL Classification Definitions 2015. Collection method: clinical testing. Allele origin: germline. Observed: 1 variant allele, 1 heterozygote.

PreventionGenetics, part of Exact Sciences
Classification: Likely benign for PKHD1-related condition. Last evaluated: 2024-08-29. Review status: no assertion criteria provided. Collection method: clinical testing. Allele origin: germline. Not counted in ClinVar's aggregate classification.
Comment: This variant is classified as likely benign based on ACMG/AMP sequence variant interpretation guidelines (Richards et al. 2015 PMID: 25741868, with internal and published modifications).

NM_138694.4(PKHD1):c.5520C>T (p.Cys1840=)

Gene: PKHD1 (PKHD1 ciliary IPT domain containing fibrocystin/polyductin; minus strand). Cytogenetic location: 6p12.2.
Variant type: single nucleotide variant.
Coding change: c.5520C>T on transcript NM_138694.4 (MANE Select); coding-DNA position 5520, C replaced by T.
Protein change: p.Cys1840=; no amino-acid change (cysteine 1840 retained).
Molecular consequence: synonymous variant.
Genome position (GRCh38, 1-based): chr6:52,017,490, G>A on the plus strand (C>T on the coding strand, the complement: PKHD1 is on the minus strand). VCF-style: chr6-52017490-G-A. GRCh37 (hg19) VCF-style: chr6-51882288-G-A.
Other names: c.5520C>T, p.Cys1840= (NM_170724.3).
Identifiers: ClinVar variation 595647 (VCV000595647.18), dbSNP rs535128714, ClinGen allele CA3852498.
Genomic context (GRCh38, chr6:52,017,490, plus strand): 5'-TGATGGAAACATTGACTCTGCCCAATGATCTGGCACAAAGAGGCATTGGGAACTTTCCTC[G>A]CAAATGTAGAGGTAAGGCCACGATTCAAGCAGTTGCTCTGTCGCCATGGCAACTGTCAAA-3'
Protein context (NP_619639.3, residues 1830-1850): LLESWPYLYI[Cys1840=]EESSQCLFVP